The following is an entry in ClinVar:

ClinVar aggregate classification (germline): Uncertain significance (1 of 4 stars; one submission).

Conditions:
Dyskeratosis congenita. Identifiers: Orphanet 1775, MedGen C0265965, MONDO:0015780.

Allele frequency attached by ClinVar (database versions not stated): gnomAD 0.00001; TOPMed 0.00001.

Submission:

Labcorp Genetics (formerly Invitae), Labcorp
Classification: Uncertain significance for Dyskeratosis congenita. Last evaluated: 2024-04-15. Review status: criteria provided, single submitter. Criteria: Invitae Variant Classification Sherloc (09022015). Collection method: clinical testing. Allele origin: germline.
Comment: This sequence change replaces threonine, which is neutral and polar, with isoleucine, which is neutral and non-polar, at codon 257 of the CTC1 protein (p.Thr257Ile). This variant is present in population databases (no rsID available, gnomAD 0.01%). This variant has not been reported in the literature in individuals affected with CTC1-related conditions. ClinVar contains an entry for this variant (Variation ID: 1010332). Advanced modeling of protein sequence and biophysical properties (such as structural, functional, and spatial information, amino acid conservation, physicochemical variation, residue mobility, and thermodynamic stability) performed at Invitae indicates that this missense variant is not expected to disrupt CTC1 protein function with a negative predictive value of 80%. In summary, the available evidence is currently insufficient to determine the role of this variant in disease. Therefore, it has been classified as a Variant of Uncertain Significance.

NM_025099.6(CTC1):c.770C>T (p.Thr257Ile)

Gene: CTC1 (CST telomere replication complex component 1; minus strand). Cytogenetic location: 17p13.1.
Variant type: single nucleotide variant.
Coding change: c.770C>T on transcript NM_025099.6 (MANE Select); coding-DNA position 770, C replaced by T.
Protein change: p.Thr257Ile; replaces threonine 257 with isoleucine.
Molecular consequence: missense variant. On other transcripts: non-coding transcript variant (1).
Genome position (GRCh38, 1-based): chr17:8,237,397, G>A on the plus strand (C>T on the coding strand, the complement: CTC1 is on the minus strand). VCF-style: chr17-8237397-G-A. GRCh37 (hg19) VCF-style: chr17-8140715-G-A.
Other names: short protein forms T257I.
Identifiers: ClinVar variation 1010332 (VCV001010332.8), dbSNP rs1007776903, ClinGen allele CA287538488.